The following is an entry in ClinVar:

ClinVar aggregate classification (germline): Uncertain significance (1 of 4 stars; one submission).

gnomAD v4.1: 1 of 1,211,184 alleles (0.000083%); highest among the groups gnomAD compares: Non-Finnish European, 0.00011%; no homozygotes.

Submission:

Dasa
Classification: Uncertain significance. Last evaluated: 2024-10-29. Review status: criteria provided, single submitter. Criteria: DASA Assertion Criteria. Collection method: clinical testing. Allele origin: germline.
Comment: NM_000052.7(ATP7A):c.2354C>T (p.Pro785Leu) is a missense variant that results in the substitution of proline with leucine. This variant is rare in population databases. Computational prediction algorithms are consistent with a deleterious effect. The currently available literature and clinical evidence are not sufficient to establish a definitive association between this variant and the reported condition. Therefore, this variant is classified as a variant of uncertain significance.

NM_000052.7(ATP7A):c.2354C>T (p.Pro785Leu)

Gene: ATP7A (ATPase copper transporting alpha; plus strand). Cytogenetic location: Xq21.1.
Variant type: single nucleotide variant.
Coding change: c.2354C>T on transcript NM_000052.7 (MANE Select); coding-DNA position 2354, C replaced by T.
Protein change: p.Pro785Leu; replaces proline 785 with leucine.
Molecular consequence: missense variant. On other transcripts: intron variant (1).
Genome position (GRCh38, 1-based): chrX:78,013,060, C>T. VCF-style: chrX-78013060-C-T. GRCh37 (hg19) VCF-style: chrX-77268557-C-T.
Other names: c.2172+1386C>T (NM_001282224.2); short protein forms P785L.
Identifiers: ClinVar variation 4882244 (VCV004882244.2).
Genomic context (GRCh38, chrX:78,013,060, plus strand): 5'-TTCTAGTTGCAATGTATGAGAGAGCCAAAGTGAACCCTATTACTTTCTTTGACACACCCC[C>T]TATGCTGTTTGTGTTTATTGCACTAGGCCGATGGCTGGAACATATAGCAAAGGTAAAGTA-3'
Protein context (NP_000043.4, residues 775-795): VNPITFFDTP[Pro785Leu]MLFVFIALGR